The following is an entry in ClinVar:

NM_000423.3(KRT2):c.*215C>T

Gene: KRT2 (keratin 2; minus strand). Cytogenetic location: 12q13.13.
Variant type: single nucleotide variant.
Coding change: c.*215C>T on transcript NM_000423.3 (MANE Select); 215 bases downstream of the stop codon, C replaced by T.
Molecular consequence: 3 prime UTR variant.
Genome position (GRCh38, 1-based): chr12:52,644,804, G>A on the plus strand (C>T on the coding strand, the complement: KRT2 is on the minus strand). VCF-style: chr12-52644804-G-A. GRCh37 (hg19) VCF-style: chr12-53038588-G-A.
Identifiers: ClinVar variation 309592 (VCV000309592.6), dbSNP rs117041267, ClinGen allele CA10642779.

ClinVar aggregate classification (germline): Benign. Review status: criteria provided, multiple submitters, no conflicts (2 of 4 stars). 2 submissions from 2 submitters: Benign (2). Last evaluated 2018-01-12.

Conditions:
Ichthyosis bullosa of Siemens (IBS). Also called: Superficial epidermolytic ichthyosis. Identifiers: Orphanet 455, MedGen C0432306, MONDO:0007813, OMIM 146800.

Allele frequency attached by ClinVar (database versions not stated): 1000 Genomes Project 0.00879; gnomAD 0.00953; 1000 Genomes Project 30x 0.00984; TOPMed 0.01102; gnomAD exomes 0.01577.

Submissions (2):

Illumina Laboratory Services, Illumina
Classification: Benign for Ichthyosis bullosa of Siemens. Last evaluated: 2018-01-12. Review status: criteria provided, single submitter. Criteria: ICSL Variant Classification Criteria 13 December 2019. Collection method: clinical testing. Allele origin: germline.
Comment: This variant was observed in the ICSL laboratory as part of a predisposition screen in an ostensibly healthy population. It had not been previously curated by ICSL or reported in the Human Gene Mutation Database (HGMD: prior to June 1st, 2018), and was therefore a candidate for classification through an automated scoring system. Utilizing variant allele frequency, disease prevalence and penetrance estimates, and inheritance mode, an automated score was calculated to assess if this variant is too frequent to cause the disease. Based on the score and internal cut-off values, a variant classified as benign is not then subjected to further curation. The score for this variant resulted in a classification of benign for this disease.

Breakthrough Genomics
Classification: Benign. Review status: criteria provided, single submitter. Criteria: ACMG Guidelines, 2015. Collection method: not provided. Allele origin: germline. Inheritance: Autosomal dominant inheritance. Affected: yes.